The following is an entry in ClinVar:

NM_000284.4(PDHA1):c.900-1_902dup

Gene: PDHA1 (pyruvate dehydrogenase E1 subunit alpha 1; plus strand). Cytogenetic location: Xp22.12.
Variant type: Duplication.
Coding change: c.900-1_902dup on transcript NM_000284.4 (MANE Select); the canonical splice acceptor site of the intron before coding-DNA position 900 through coding-DNA position 902, 4 bases duplicated (GTTA; older notation c.900-1_902dupGTTA).
Molecular consequence: splice acceptor variant.
Genome position (GRCh38, 1-based): chrX:19,358,915-19,358,918, GTTA duplicated; duplicating any 4 consecutive bases within chrX:19,358,913-19,358,918 gives the same sequence; the c. name uses the placement nearest the transcript's 3' end. VCF-style (leftmost placement, unchanged base first): chrX-19358912-A-ATAGT. GRCh37 (hg19) VCF-style: chrX-19377030-A-ATAGT.
Other names: c.1014-1_1016dup (NM_001173454.2); c.921-1_923dup (NM_001173455.2); c.807-1_809dup (NM_001173456.2).
Identifiers: ClinVar variation 1201931 (VCV001201931.5), dbSNP rs2147187186, ClinGen allele CA2499226554.

ClinVar aggregate classification (germline): Pathogenic (1 of 4 stars; one submission).

Submission:

GeneDx
Classification: Pathogenic. Last evaluated: 2025-03-26. Review status: criteria provided, single submitter. Criteria: GeneDx Variant Classification Process June 2021. Collection method: clinical testing. Allele origin: germline. Affected: yes.
Comment: Nonsense variant predicted to result in protein truncation or nonsense mediated decay in a gene for which loss of function is a known mechanism of disease; Not observed at significant frequency in large population cohorts (gnomAD); Has not been previously published as pathogenic or benign to our knowledge